The following is an entry in ClinVar:

ClinVar aggregate classification (germline): Uncertain significance. Review status: criteria provided, multiple submitters, no conflicts (2 of 4 stars). 2 submissions from 2 submitters: Uncertain significance (2). Last evaluated 2025-10-22.

Conditions:
Osteogenesis imperfecta type I (OI1). Also called: Lobstein's Disease; Classic Non-deforming Osteogenesis Imperfecta with Blue Sclerae; Lobstein disease; OI, TYPE I; OSTEOGENESIS IMPERFECTA TARDA; OSTEOGENESIS IMPERFECTA WITH BLUE SCLERAE. Identifiers: Orphanet 216796, Orphanet 666, MedGen C0023931, MONDO:0008146, OMIM 166200. Disease mechanism: loss of function.
Ehlers-Danlos syndrome, classic type, 1 (EDSCL1). Also called: Ehlers-Danlos syndrome, type 1; Ehlers-Danlos Syndrome, Classic Type, COL5A1-Related; EDS I; EHLERS-DANLOS SYNDROME, GRAVIS TYPE; EHLERS-DANLOS SYNDROME, SEVERE CLASSIC TYPE. Identifiers: MedGen C0268335, MONDO:0019567, OMIM 130000.

Allele frequency attached by ClinVar (database versions not stated): gnomAD exomes below 0.00001; TOPMed 0.00001; gnomAD 0.00001.
gnomAD v4.1: 4 of 1,613,790 alleles (0.00025%); highest among the groups gnomAD compares: East Asian, 0.0022%; no homozygotes.

Submissions (2):

GeneDx
Classification: Uncertain significance. Last evaluated: 2025-10-22. Review status: criteria provided, single submitter. Criteria: GeneDx Variant Classification Process June 2021. Collection method: clinical testing. Allele origin: germline. Affected: yes.
Comment: Has not been previously published as pathogenic or benign to our knowledge; Not observed at significant frequency in large population cohorts (gnomAD); In silico analysis suggests that this missense variant does not alter protein structure/function; Occurs in the triple helical domain at the Y position in the canonical Gly-X-Y repeat; although this variant may have an effect on normal protein folding and function, missense substitution at the Y position is not a common mechanism of disease (HGMD)

Labcorp Genetics (formerly Invitae), Labcorp
Classification: Uncertain significance for Osteogenesis imperfecta type I; Ehlers-Danlos syndrome, classic type, 1. Last evaluated: 2019-12-23. Review status: criteria provided, single submitter. Criteria: Invitae Variant Classification Sherloc (09022015). Collection method: clinical testing. Allele origin: germline.
Comment: In summary, the available evidence is currently insufficient to determine the role of this variant in disease. Therefore, it has been classified as a Variant of Uncertain Significance. Algorithms developed to predict the effect of missense changes on protein structure and function output the following: SIFT: "Tolerated"; PolyPhen-2: "Not Available"; Align-GVGD: "Class C0". The serine amino acid residue is found in multiple mammalian species, suggesting that this missense change does not adversely affect protein function. These predictions have not been confirmed by published functional studies and their clinical significance is uncertain. This variant has not been reported in the literature in individuals with COL1A2-related conditions. This variant is not present in population databases (ExAC no frequency). This sequence change replaces asparagine with serine at codon 183 of the COL1A2 protein (p.Asn183Ser). The asparagine residue is highly conserved and there is a small physicochemical difference between asparagine and serine.

NM_000089.4(COL1A2):c.548A>G (p.Asn183Ser)

Gene: COL1A2 (collagen type I alpha 2 chain; plus strand). Cytogenetic location: 7q21.3.
Variant type: single nucleotide variant.
Coding change: c.548A>G on transcript NM_000089.4 (MANE Select); coding-DNA position 548, A replaced by G.
Protein change: p.Asn183Ser; replaces asparagine 183 with serine.
Molecular consequence: missense variant.
Genome position (GRCh38, 1-based): chr7:94,406,257, A>G. VCF-style: chr7-94406257-A-G. GRCh37 (hg19) VCF-style: chr7-94035569-A-G.
Other names: short protein forms N183S.
Identifiers: ClinVar variation 854274 (VCV000854274.13), dbSNP rs1283526350, ClinGen allele CA368220020.